The following is an entry in ClinVar:

ClinVar aggregate classification (germline): Conflicting classifications of pathogenicity. Review status: criteria provided, conflicting classifications (1 of 4 stars). 3 submissions from 3 submitters: Uncertain significance (1); Likely benign (2). Last evaluated 2024-12-23.

Conditions:
Polyglandular autoimmune syndrome, type 1 (APS1). Also called: AUTOIMMUNE POLYENDOCRINE SYNDROME, TYPE I, WITH OR WITHOUT REVERSIBLE METAPHYSEAL DYSPLASIA; HYPOADRENOCORTICISM WITH HYPOPARATHYROIDISM AND SUPERFICIAL MONILIASIS; Whitaker syndrome; Autoimmune polyendocrinopathy syndrome, type I; Autoimmune polyendocrinopathy syndrome , type I, with or without reversible metaphyseal dysplasia; PGA I. Identifiers: Orphanet 3453, MedGen C0085859, MONDO:0009411, OMIM 240300.

Allele frequency attached by ClinVar (database versions not stated): gnomAD exomes 0.00004 and 0.00009; ExAC 0.00010; gnomAD 0.00015 and 0.00017; TOPMed 0.00017; ESP Exome Variant Server 0.00032.
gnomAD v4.1: 80 of 1,552,710 alleles (0.0052%); highest among the groups gnomAD compares: African/African-American, 0.042%; no homozygotes.

Submissions (3):

Labcorp Genetics (formerly Invitae), Labcorp
Classification: Uncertain significance for Polyglandular autoimmune syndrome, type 1. Last evaluated: 2024-12-23. Review status: criteria provided, single submitter. Criteria: Invitae Variant Classification Sherloc (09022015). Collection method: clinical testing. Allele origin: germline.
Comment: This sequence change falls in intron 4 of the AIRE gene. It does not directly change the encoded amino acid sequence of the AIRE protein. It affects a nucleotide within the consensus splice site. This variant is present in population databases (rs371847563, gnomAD 0.05%). This variant has not been reported in the literature in individuals affected with AIRE-related conditions. ClinVar contains an entry for this variant (Variation ID: 384652). Variants that disrupt the consensus splice site are a relatively common cause of aberrant splicing (PMID: 17576681, 9536098). Algorithms developed to predict the effect of sequence changes on RNA splicing suggest that this variant is not likely to affect RNA splicing. In summary, the available evidence is currently insufficient to determine the role of this variant in disease. Therefore, it has been classified as a Variant of Uncertain Significance.

Blueprint Genetics
Classification: Likely benign. Last evaluated: 2021-02-01. Review status: criteria provided, single submitter. Criteria: ACMG Guidelines, 2015. Collection method: clinical testing. Allele origin: germline.

GeneDx
Classification: Likely benign. Last evaluated: 2016-03-07. Review status: criteria provided, single submitter. Criteria: GeneDx Variant Classification (06012015). Collection method: clinical testing. Allele origin: germline. Affected: yes.
Comment: This variant is considered likely benign or benign based on one or more of the following criteria: it is a conservative change, it occurs at a poorly conserved position in the protein, it is predicted to be benign by multiple in silico algorithms, and/or has population frequency not consistent with disease.

Literature cited by the submitters: PubMed 17576681 (cited by Labcorp Genetics (formerly Invitae), Labcorp); PubMed 9536098 (cited by Labcorp Genetics (formerly Invitae), Labcorp).

NM_000383.4(AIRE):c.538+6C>T

Gene: AIRE (autoimmune regulator; plus strand). Cytogenetic location: 21q22.3.
Variant type: single nucleotide variant.
Coding change: c.538+6C>T on transcript NM_000383.4 (MANE Select); 6 bases into the intron after coding-DNA position 538, C replaced by T.
Molecular consequence: intron variant.
Genome position (GRCh38, 1-based): chr21:44,287,597, C>T. VCF-style: chr21-44287597-C-T. GRCh37 (hg19) VCF-style: chr21-45707480-C-T.
Other names: c.538+6C>T (LRG_18t1).
Identifiers: ClinVar variation 384652 (VCV000384652.5), dbSNP rs371847563, ClinGen allele CA10051599.